The following is an entry in ClinVar:

ClinVar aggregate classification (germline): Uncertain significance (1 of 4 stars; one submission).

Conditions:
Deficiency of acetyl-CoA acetyltransferase. Also called: Beta-ketothiolase deficiency; MITOCHONDRIAL ACETOACETYL-CoA THIOLASE DEFICIENCY; 3-KETOTHIOLASE DEFICIENCY; 3-OXOTHIOLASE DEFICIENCY. Identifiers: Orphanet 134, MedGen C1536500, MONDO:0008760, OMIM 203750. Disease mechanism: loss of function.

Submission:

Labcorp Genetics (formerly Invitae), Labcorp
Classification: Uncertain significance for Deficiency of acetyl-CoA acetyltransferase. Last evaluated: 2022-02-10. Review status: criteria provided, single submitter. Criteria: Invitae Variant Classification Sherloc (09022015). Collection method: clinical testing. Allele origin: germline.
Comment: In summary, the available evidence is currently insufficient to determine the role of this variant in disease. Therefore, it has been classified as a Variant of Uncertain Significance. Algorithms developed to predict the effect of sequence changes on RNA splicing suggest that this variant may create or strengthen a splice site. This sequence change replaces isoleucine, which is neutral and non-polar, with valine, which is neutral and non-polar, at codon 369 of the ACAT1 protein (p.Ile369Val). Advanced modeling of protein sequence and biophysical properties (such as structural, functional, and spatial information, amino acid conservation, physicochemical variation, residue mobility, and thermodynamic stability) performed at Invitae indicates that this missense variant is not expected to disrupt ACAT1 protein function. ClinVar contains an entry for this variant (Variation ID: 656907). This variant has not been reported in the literature in individuals affected with ACAT1-related conditions. This variant is not present in population databases (gnomAD no frequency).

NM_000019.4(ACAT1):c.1105A>G (p.Ile369Val)

Gene: ACAT1 (acetyl-CoA acetyltransferase 1; plus strand). Cytogenetic location: 11q22.3.
Variant type: single nucleotide variant.
Coding change: c.1105A>G on transcript NM_000019.4 (MANE Select); coding-DNA position 1105, A replaced by G.
Protein change: p.Ile369Val; replaces isoleucine 369 with valine.
Molecular consequence: missense variant.
Genome position (GRCh38, 1-based): chr11:108,146,301, A>G. VCF-style: chr11-108146301-A-G. GRCh37 (hg19) VCF-style: chr11-108017028-A-G.
Other names: c.1105A>G, p.Ile369Val (LRG_1400t1); short protein forms I369V.
Identifiers: ClinVar variation 656907 (VCV000656907.8), dbSNP rs1591374695, ClinGen allele CA382508557.